The following is an entry in ClinVar:

NM_000508.5(FGA):c.2128G>A (p.Gly710Ser)

Gene: FGA (fibrinogen alpha chain; minus strand). Cytogenetic location: 4q31.3.
Variant type: single nucleotide variant.
Coding change: c.2128G>A on transcript NM_000508.5; coding-DNA position 2128, G replaced by A.
Protein change: p.Gly710Ser; replaces glycine 710 with serine.
Molecular consequence: missense variant.
Genome position (GRCh38, 1-based): chr4:154,584,597, C>T on the plus strand (G>A on the coding strand, the complement: FGA is on the minus strand). VCF-style: chr4-154584597-C-T. GRCh37 (hg19) VCF-style: chr4-155505749-C-T.
Other names: short protein forms G710S.
Identifiers: ClinVar variation 1098474 (VCV001098474.5), dbSNP rs2110806103, ClinGen allele CA358524141.

ClinVar aggregate classification (germline): Uncertain significance. Review status: criteria provided, multiple submitters, no conflicts (2 of 4 stars). 2 submissions from 2 submitters: Uncertain significance (2). Last evaluated 2025-10-23.

Conditions:
Congenital afibrinogenemia. Identifiers: Orphanet 335, Orphanet 98880, MedGen C2584774, MONDO:0008737, OMIM 202400.
FGA-related disorder. Also called: FGA-related condition; FGA-related disorders.

Allele frequency attached by ClinVar (database versions not stated): gnomAD exomes below 0.00001.
gnomAD v4.1: 1 of 1,614,174 alleles (0.000062%); highest among the groups gnomAD compares: Middle Eastern, 0.017%; no homozygotes.

Submissions (2):

PreventionGenetics, part of Exact Sciences
Classification: Uncertain significance for FGA-related condition. Last evaluated: 2025-10-23. Review status: criteria provided, single submitter. Criteria: ACMG Guidelines, 2015. Collection method: clinical testing. Allele origin: germline.
Comment: The FGA c.2128G>A variant is predicted to result in the amino acid substitution p.Gly710Ser. This variant has been reported in a cohort study of individuals with hematological diseases, mainly bleeding disorders (Supplementary Table 4, Baz. 2021. PubMed ID: 34272389). This variant has not been reported in a large population database (gnomAD), indicating this variant is rare. At this time, the clinical significance of this variant is uncertain due to the absence of conclusive functional and genetic evidence.

Genomic Medicine Center of Excellence, King Faisal Specialist Hospital and Research Centre
Classification: Uncertain significance for Congenital afibrinogenemia. Last evaluated: 2021-04-28. Review status: criteria provided, single submitter. Criteria: ACMG Guidelines, 2015. Collection method: research. Allele origin: germline.